The following is an entry in ClinVar:

ClinVar aggregate classification (germline): Benign/Likely benign. Review status: criteria provided, multiple submitters, no conflicts (2 of 4 stars). 2 submissions from 2 submitters: Benign (1); Likely benign (1). Last evaluated 2022-05-01.

Allele frequency attached by ClinVar (database versions not stated): gnomAD exomes 0.00054; ExAC 0.00058; 1000 Genomes Project 0.00180; ESP Exome Variant Server 0.00192; TOPMed 0.00194; 1000 Genomes Project 30x 0.00203; gnomAD 0.00204.
gnomAD v4.1: 581 of 1,613,538 alleles (0.036%); highest among the groups gnomAD compares: African/African-American, 0.61%; 2 homozygotes.

Submissions (2):

CeGaT Center for Human Genetics Tuebingen
Classification: Likely benign. Last evaluated: 2022-05-01. Review status: criteria provided, single submitter. Criteria: CeGaT Center For Human Genetics Tuebingen Variant Classification Criteria Version 2. Collection method: clinical testing. Allele origin: germline. Affected: yes. Observed: 2 variant alleles.
Comment: UTP20: BP4, BP7

Labcorp Genetics (formerly Invitae), Labcorp
Classification: Benign. Last evaluated: 2018-07-31. Review status: criteria provided, single submitter. Criteria: Invitae Variant Classification Sherloc (09022015). Collection method: clinical testing. Allele origin: germline.

NM_014503.3(UTP20):c.405G>A (p.Ser135=)

Gene: UTP20 (UTP20 small subunit processome component; plus strand). Cytogenetic location: 12q23.2.
Variant type: single nucleotide variant.
Coding change: c.405G>A on transcript NM_014503.3 (MANE Select); coding-DNA position 405, G replaced by A.
Protein change: p.Ser135=; no amino-acid change (serine 135 retained).
Molecular consequence: synonymous variant.
Genome position (GRCh38, 1-based): chr12:101,286,399, G>A. VCF-style: chr12-101286399-G-A. GRCh37 (hg19) VCF-style: chr12-101680177-G-A.
Identifiers: ClinVar variation 786233 (VCV000786233.27), dbSNP rs139691544, ClinGen allele CA6741678.